The following is an entry in ClinVar:

NM_020433.5(JPH2):c.1777G>C (p.Glu593Gln)

Gene: JPH2 (junctophilin 2; minus strand). Cytogenetic location: 20q13.12.
Variant type: single nucleotide variant.
Coding change: c.1777G>C on transcript NM_020433.5 (MANE Select); coding-DNA position 1777, G replaced by C.
Protein change: p.Glu593Gln; replaces glutamic acid 593 with glutamine.
Molecular consequence: missense variant.
Genome position (GRCh38, 1-based): chr20:44,115,898, C>G on the plus strand (G>C on the coding strand, the complement: JPH2 is on the minus strand). VCF-style: chr20-44115898-C-G. GRCh37 (hg19) VCF-style: chr20-42744538-C-G.
Other names: short protein forms E593Q.
Identifiers: ClinVar variation 1486248 (VCV001486248.6), dbSNP rs1160134535, ClinGen allele CA409099944.
Genomic context (GRCh38, chr20:44,115,898, plus strand): 5'-CGGGGCCTCGGAGCGTGGGGGCCTGCAGCGGGGCGGTGGCCGGGGACGAGGGCGCGGACT[C>G]GGACCCGGAGACCTCGGGCTCGGGCTGGTCCTCAAAGGGTGGGGGCTCGGGCGGCGTGGT-3'
Protein context (NP_065166.2, residues 583-603): DQPEPEVSGS[Glu593Gln]SAPSSPATAP

ClinVar aggregate classification (germline): Uncertain significance (1 of 4 stars; one submission).

Conditions:
Hypertrophic cardiomyopathy. Also called: HYPERTROPHIC MYOCARDIOPATHY. Identifiers: Orphanet 217569, MedGen C0007194, MeSH D002312, MONDO:0005045, HP:0001639.

Submission:

Labcorp Genetics (formerly Invitae), Labcorp
Classification: Uncertain significance for Hypertrophic cardiomyopathy. Last evaluated: 2022-03-08. Review status: criteria provided, single submitter. Criteria: Invitae Variant Classification Sherloc (09022015). Collection method: clinical testing. Allele origin: germline.
Comment: Algorithms developed to predict the effect of missense changes on protein structure and function (SIFT, PolyPhen-2, Align-GVGD) all suggest that this variant is likely to be tolerated. In summary, the available evidence is currently insufficient to determine the role of this variant in disease. Therefore, it has been classified as a Variant of Uncertain Significance. This variant has not been reported in the literature in individuals affected with JPH2-related conditions. This variant is not present in population databases (gnomAD no frequency). This sequence change replaces glutamic acid, which is acidic and polar, with glutamine, which is neutral and polar, at codon 593 of the JPH2 protein (p.Glu593Gln).